The following is an entry in ClinVar:

ClinVar aggregate classification (germline): Uncertain significance (1 of 4 stars; one submission).

Submission:

Labcorp Genetics (formerly Invitae), Labcorp
Classification: Uncertain significance. Last evaluated: 2025-03-05. Review status: criteria provided, single submitter. Criteria: Invitae Variant Classification Sherloc (09022015). Collection method: clinical testing. Allele origin: germline.
Comment: This sequence change falls in intron 8 of the C1S gene. It does not directly change the encoded amino acid sequence of the C1S protein. Information on the frequency of this variant in the gnomAD database is not available, as this variant may be reported differently in the database. This variant has not been reported in the literature in individuals affected with C1S-related conditions. Experimental studies and prediction algorithms are not available or were not evaluated, and the effect of this variant on mRNA splicing is currently unknown. In summary, the available evidence is currently insufficient to determine the role of this variant in disease. Therefore, it has been classified as a Variant of Uncertain Significance.

NM_001734.5(C1S):c.988-16_988-13inv

Gene: C1S (complement C1s; plus strand). Cytogenetic location: 12p13.31.
Variant type: Inversion.
Coding change: c.988-16_988-13inv on transcript NM_001734.5 (MANE Select).
Molecular consequence: intron variant.
Genome position: GRCh38 VCF-style: chr12-7067023-GTTT-AAAC. GRCh37 (hg19) VCF-style: chr12-7174327-GTTT-AAAC.
Other names: c.988-16_988-13inv (NM_201442.4); c.487-16_487-13inv (NM_001346850.2).
Identifiers: ClinVar variation 4761508 (VCV004761508.1).